The following is an entry in ClinVar:

NM_015231.3(NUP160):c.2968A>G (p.Ile990Val)

Gene: NUP160 (nucleoporin 160; minus strand). Cytogenetic location: 11p11.2.
Variant type: single nucleotide variant.
Coding change: c.2968A>G on transcript NM_015231.3 (MANE Select); coding-DNA position 2968, A replaced by G.
Protein change: p.Ile990Val; replaces isoleucine 990 with valine.
Molecular consequence: missense variant. On other transcripts: non-coding transcript variant (1).
Genome position (GRCh38, 1-based): chr11:47,798,184, T>C on the plus strand (A>G on the coding strand, the complement: NUP160 is on the minus strand). VCF-style: chr11-47798184-T-C. GRCh37 (hg19) VCF-style: chr11-47819736-T-C.
Other names: short protein forms I990V.
Identifiers: ClinVar variation 1029371 (VCV001029371.2), dbSNP rs2097671966, ClinGen allele CA380374659.
Genomic context (GRCh38, chr11:47,798,184, plus strand): 5'-CAGAGTTGGTAAATTGTCTTCTCTAAAAAAGGCCATGAAATTACCTGCTGGAATCAGGAA[T>C]TTGGGTTAAGGCTTCATATGCTTGGCTATTGTGACCCAAATCCAAATGATGTTTGAAAAT-3'
Protein context (NP_056046.2, residues 980-1000): NSQAYEALTQ[Ile990Val]PDSSRQLDCL

ClinVar aggregate classification (germline): Uncertain significance (1 of 4 stars; one submission).

Conditions:
Nephrotic syndrome, type 19. Identifiers: MedGen C4748552, MONDO:0032582, OMIM 618178.

Allele frequency attached by ClinVar (database versions not stated): gnomAD exomes below 0.00001.
gnomAD v4.1: 1 of 1,611,814 alleles (0.000062%); highest among the groups gnomAD compares: Admixed American, 0.0017%; no homozygotes.

Submission:

Baylor Genetics
Classification: Uncertain significance for Nephrotic syndrome, type 19. Last evaluated: 2020-01-28. Review status: criteria provided, single submitter. Criteria: ACMG Guidelines, 2015. Collection method: clinical testing. Allele origin: unknown. Affected: yes.
Comment: This variant was determined to be of uncertain significance according to ACMG Guidelines, 2015 [PMID:25741868].